The following is an entry in ClinVar:

ClinVar aggregate classification (germline): Uncertain significance (1 of 4 stars; one submission).

Conditions:
Joubert syndrome. Also called: CEREBELLOPARENCHYMAL DISORDER IV; JOUBERT-BOLTSHAUSER SYNDROME; Familial aplasia of the vermis. Identifiers: Orphanet 475, MedGen C5979921, MONDO:0018772.
Orofaciodigital syndrome I (OFD1). Also called: OFDS I; Papillon-Leage and Psaume Syndrome; Oral-Facial-Digital Syndrome Type I. Identifiers: Orphanet 2750, MedGen C1510460, MONDO:0010702, OMIM 311200.

Allele frequency attached by ClinVar (database versions not stated): ExAC 0.00001; gnomAD exomes 0.00001; gnomAD 0.00002; ESP Exome Variant Server 0.00009.
gnomAD v4.1: 9 of 1,172,421 alleles (0.00077%); highest among the groups gnomAD compares: South Asian, 0.0018%; no homozygotes.

Submission:

Labcorp Genetics (formerly Invitae), Labcorp
Classification: Uncertain significance for Orofaciodigital syndrome I; Joubert syndrome. Last evaluated: 2025-06-24. Review status: criteria provided, single submitter. Criteria: Invitae Variant Classification Sherloc (09022015). Collection method: clinical testing. Allele origin: germline.
Comment: This sequence change falls in intron 18 of the OFD1 gene. It does not directly change the encoded amino acid sequence of the OFD1 protein. This variant is present in population databases (rs373644050, gnomAD 0.003%). This variant has not been reported in the literature in individuals affected with OFD1-related conditions. ClinVar contains an entry for this variant (Variation ID: 2125578). Algorithms developed to predict the effect of sequence changes on RNA splicing suggest that this variant may disrupt the consensus splice site. In summary, the available evidence is currently insufficient to determine the role of this variant in disease. Therefore, it has been classified as a Variant of Uncertain Significance.

NM_003611.3(OFD1):c.2489-16A>G

Gene: OFD1 (OFD1 centriole and centriolar satellite protein; plus strand). Cytogenetic location: Xp22.2.
Variant type: single nucleotide variant.
Coding change: c.2489-16A>G on transcript NM_003611.3 (MANE Select); 16 bases into the intron before coding-DNA position 2489, A replaced by G.
Molecular consequence: intron variant.
Genome position (GRCh38, 1-based): chrX:13,763,729, A>G. VCF-style: chrX-13763729-A-G. GRCh37 (hg19) VCF-style: chrX-13781848-A-G.
Other names: c.2069-16A>G (NM_001330210.2); c.2369-16A>G (NM_001330209.2).
Identifiers: ClinVar variation 2125578 (VCV002125578.4), dbSNP rs373644050, ClinGen allele CA10352023.